The following is an entry in ClinVar:

ClinVar aggregate classification (germline): Likely benign. Review status: criteria provided, multiple submitters, no conflicts (2 of 4 stars). 4 submissions from 4 submitters: Likely benign (4). Last evaluated 2025-11-27.

Conditions:
Cardiac arrhythmia. Also called: Arrhythmia; Cardiac rhythm disease. Identifiers: MedGen C0003811, MONDO:0007263, HP:0011675.
Cardiovascular phenotype. Identifiers: MedGen CN230736.
Long QT syndrome (LQTS). Identifiers: MedGen C0023976, MeSH D008133, MONDO:0002442. Disease mechanism: loss of function. Inheritance: Various modes of inheritance.

Allele frequency attached by ClinVar (database versions not stated): TOPMed 0.00002; gnomAD exomes 0.00003; ExAC 0.00006.
gnomAD v4.1: 10 of 1,546,058 alleles (0.00065%); highest among the groups gnomAD compares: Middle Eastern, 0.017%; no homozygotes.

Submissions (4):

Labcorp Genetics (formerly Invitae), Labcorp
Classification: Likely benign for Long QT syndrome. Last evaluated: 2025-11-27. Review status: criteria provided, single submitter. Criteria: Invitae Variant Classification Sherloc (09022015). Collection method: clinical testing. Allele origin: germline.

All of Us Research Program, National Institutes of Health
Classification: Likely benign for Long QT syndrome. Last evaluated: 2023-07-22. Review status: criteria provided, single submitter. Criteria: ACMG Guidelines, 2015. Collection method: clinical testing. Allele origin: germline. Inheritance: Autosomal dominant inheritance. Observed: 2 variant alleles, 2 heterozygotes.
Comment: This study involves interpretation of variants in research participants for the purpose of population health screening. Participant phenotype was not available at the time of variant classification. Additional details can be found in publication PMID: 35346344, PMCID: PMC8962531

Ambry Genetics
Classification: Likely benign for Cardiovascular phenotype. Last evaluated: 2019-12-18. Review status: criteria provided, single submitter. Criteria: Ambry Variant Classification Scheme 2023. Collection method: clinical testing. Allele origin: germline.

Color Diagnostics, LLC DBA Color Health
Classification: Likely benign for Arrhythmia. Last evaluated: 2019-03-11. Review status: criteria provided, single submitter. Criteria: ACMG Guidelines, 2015. Collection method: clinical testing. Allele origin: germline.

NM_000218.3(KCNQ1):c.2016C>T (p.Pro672=)

Genes: KCNQ1 (potassium voltage-gated channel subfamily Q member 1; plus strand), KCNQ1-AS1 (KCNQ1 antisense RNA 1; minus strand). Cytogenetic location: 11p15.4.
Variant type: single nucleotide variant.
Coding change: c.2016C>T on transcript NM_000218.3 (MANE Select); coding-DNA position 2016, C replaced by T.
Protein change: p.Pro672=; no amino-acid change (proline 672 retained).
Molecular consequence: synonymous variant.
Genome position (GRCh38, 1-based): chr11:2,847,988, C>T. VCF-style: chr11-2847988-C-T. GRCh37 (hg19) VCF-style: chr11-2869218-C-T.
Other names: c.1920C>T, p.Pro640= (NM_001406836.1); c.1746C>T, p.Pro582= (NM_001406837.1); c.1476C>T, p.Pro492= (NM_001406838.1); c.528C>T, p.Pro176= (NM_001406839.1); c.1635C>T, p.Pro545= (NM_181798.2).
Identifiers: ClinVar variation 700686 (VCV000700686.16), dbSNP rs751946698, ClinGen allele CA034239.